The following is an entry in ClinVar:

ClinVar aggregate classification (germline): Uncertain significance (1 of 4 stars; one submission).

gnomAD v4.1: 1 of 1,551,798 alleles (0.000064%); highest among the groups gnomAD compares: Non-Finnish European, 0.000087%; no homozygotes.

Submission:

Labcorp Genetics (formerly Invitae), Labcorp
Classification: Uncertain significance. Last evaluated: 2021-11-03. Review status: criteria provided, single submitter. Criteria: Invitae Variant Classification Sherloc (09022015). Collection method: clinical testing. Allele origin: germline.
Comment: In summary, the available evidence is currently insufficient to determine the role of this variant in disease. Therefore, it has been classified as a Variant of Uncertain Significance. Algorithms developed to predict the effect of missense changes on protein structure and function are either unavailable or do not agree on the potential impact of this missense change (SIFT: "Deleterious"; PolyPhen-2: "Probably Damaging"; Align-GVGD: "Class C0"). This variant has not been reported in the literature in individuals affected with LOXHD1-related conditions. This variant is not present in population databases (gnomAD no frequency). This sequence change replaces aspartic acid, which is acidic and polar, with tyrosine, which is neutral and polar, at codon 570 of the LOXHD1 protein (p.Asp570Tyr).

NM_001384474.1(LOXHD1):c.1708G>T (p.Asp570Tyr)

Gene: LOXHD1 (lipoxygenase homology PLAT domains 1; minus strand). Cytogenetic location: 18q21.1.
Variant type: single nucleotide variant.
Coding change: c.1708G>T on transcript NM_001384474.1 (MANE Select); coding-DNA position 1708, G replaced by T.
Protein change: p.Asp570Tyr; replaces aspartic acid 570 with tyrosine.
Molecular consequence: missense variant.
Genome position (GRCh38, 1-based): chr18:46,579,731, C>A on the plus strand (G>T on the coding strand, the complement: LOXHD1 is on the minus strand). VCF-style: chr18-46579731-C-A. GRCh37 (hg19) VCF-style: chr18-44159694-C-A.
Other names: c.1708G>T, p.Asp570Tyr (NM_144612.7); short protein forms D570Y.
Identifiers: ClinVar variation 1487423 (VCV001487423.6), dbSNP rs140437150, ClinGen allele CA402379073.